The following is an entry in ClinVar:

ClinVar aggregate classification (germline): Uncertain significance. Review status: criteria provided, multiple submitters, no conflicts (2 of 4 stars). 3 submissions from 3 submitters: Uncertain significance (3). Last evaluated 2025-10-14.

Conditions:
Inborn genetic diseases. Identifiers: MedGen C0950123, MeSH D030342.

Allele frequency attached by ClinVar (database versions not stated): TOPMed 0.00004; gnomAD 0.00005; gnomAD exomes 0.00008; ExAC 0.00009; ESP Exome Variant Server 0.00015.
gnomAD v4.1: 331 of 1,612,750 alleles (0.021%); highest among the groups gnomAD compares: Non-Finnish European, 0.028%; no homozygotes.

Submissions (3):

Ambry Genetics
Classification: Uncertain significance for Inborn genetic diseases. Last evaluated: 2025-10-14. Review status: criteria provided, single submitter. Criteria: Ambry Variant Classification Scheme 2023. Collection method: clinical testing. Allele origin: germline.

Labcorp Genetics (formerly Invitae), Labcorp
Classification: Uncertain significance. Last evaluated: 2025-07-10. Review status: criteria provided, single submitter. Criteria: Invitae Variant Classification Sherloc (09022015). Collection method: clinical testing. Allele origin: germline.
Comment: This sequence change replaces leucine, which is neutral and non-polar, with valine, which is neutral and non-polar, at codon 176 of the EDNRB protein (p.Leu176Val). This variant is present in population databases (rs143312578, gnomAD 0.01%). This variant has not been reported in the literature in individuals affected with EDNRB-related conditions. ClinVar contains an entry for this variant (Variation ID: 1378245). Invitae Evidence Modeling of protein sequence and biophysical properties (such as structural, functional, and spatial information, amino acid conservation, physicochemical variation, residue mobility, and thermodynamic stability) indicates that this missense variant is not expected to disrupt EDNRB protein function with a negative predictive value of 80%. In summary, the available evidence is currently insufficient to determine the role of this variant in disease. Therefore, it has been classified as a Variant of Uncertain Significance.

Blueprint Genetics
Classification: Uncertain significance. Last evaluated: 2024-06-28. Review status: criteria provided, single submitter. Criteria: ACMG Guidelines, 2015. Collection method: clinical testing. Allele origin: germline.

NM_001122659.3(EDNRB):c.526C>G (p.Leu176Val)

Genes: EDNRB (endothelin receptor type B; minus strand), EDNRB-AS1 (EDNRB antisense RNA 1; plus strand). Cytogenetic location: 13q22.3.
Variant type: single nucleotide variant.
Coding change: c.526C>G on transcript NM_001122659.3 (MANE Select); coding-DNA position 526, C replaced by G.
Protein change: p.Leu176Val; replaces leucine 176 with valine.
Molecular consequence: missense variant.
Genome position (GRCh38, 1-based): chr13:77,903,565, G>C on the plus strand (C>G on the coding strand, the complement: EDNRB is on the minus strand). VCF-style: chr13-77903565-G-C. GRCh37 (hg19) VCF-style: chr13-78477700-G-C.
Other names: c.526C>G, p.Leu176Val (NM_000115.5, NM_003991.4); c.796C>G, p.Leu266Val (NM_001201397.2); short protein forms L176V, L266V.
Identifiers: ClinVar variation 1378245 (VCV001378245.11), dbSNP rs143312578, ClinGen allele CA7012315.